The following is an entry in ClinVar:

NM_024675.4(PALB2):c.3153T>G (p.Ile1051Met)

Gene: PALB2 (partner and localizer of BRCA2; minus strand). Cytogenetic location: 16p12.2.
Variant type: single nucleotide variant.
Coding change: c.3153T>G on transcript NM_024675.4 (MANE Select); coding-DNA position 3153, T replaced by G.
Protein change: p.Ile1051Met; replaces isoleucine 1051 with methionine.
Molecular consequence: missense variant.
Genome position (GRCh38, 1-based): chr16:23,614,052, A>C on the plus strand (T>G on the coding strand, the complement: PALB2 is on the minus strand). VCF-style: chr16-23614052-A-C. GRCh37 (hg19) VCF-style: chr16-23625373-A-C.
Other names: short protein forms I1051M.
Identifiers: ClinVar variation 574559 (VCV000574559.12), dbSNP rs1168676309, ClinGen allele CA395141312.

ClinVar aggregate classification (germline): Uncertain significance. Review status: criteria provided, multiple submitters, no conflicts (2 of 4 stars). 2 submissions from 2 submitters: Uncertain significance (2). Last evaluated 2025-08-11.

Conditions:
Hereditary cancer-predisposing syndrome. Also called: Neoplastic Syndromes, Hereditary; Hereditary Cancer Syndrome; Tumor predisposition; Hereditary neoplastic syndrome. Identifiers: Orphanet 140162, MedGen C0027672, MeSH D009386, MONDO:0015356.
Familial cancer of breast. Also called: hereditary breast carcinoma; BREAST CANCER, FAMILIAL; Hereditary breast cancer. Identifiers: Orphanet 227535, MedGen C0346153, MONDO:0016419, OMIM 114480. Disease mechanism: loss of function.

Allele frequency attached by ClinVar (database versions not stated): TOPMed below 0.00001.
gnomAD v4.1: 1 of 1,613,640 alleles (0.000062%); highest among the groups gnomAD compares: African/African-American, 0.0013%; no homozygotes.

Submissions (2):

Labcorp Genetics (formerly Invitae), Labcorp
Classification: Uncertain significance for Familial cancer of breast. Last evaluated: 2025-08-11. Review status: criteria provided, single submitter. Criteria: Invitae Variant Classification Sherloc (09022015). Collection method: clinical testing. Allele origin: germline.
Comment: This sequence change replaces isoleucine, which is neutral and non-polar, with methionine, which is neutral and non-polar, at codon 1051 of the PALB2 protein (p.Ile1051Met). This variant is not present in population databases (gnomAD no frequency). This variant has not been reported in the literature in individuals affected with PALB2-related conditions. ClinVar contains an entry for this variant (Variation ID: 574559). Invitae Evidence Modeling of protein sequence and biophysical properties (such as structural, functional, and spatial information, amino acid conservation, physicochemical variation, residue mobility, and thermodynamic stability) indicates that this missense variant is not expected to disrupt PALB2 protein function with a negative predictive value of 80%. In summary, the available evidence is currently insufficient to determine the role of this variant in disease. Therefore, it has been classified as a Variant of Uncertain Significance.

Ambry Genetics
Classification: Uncertain significance for Hereditary cancer-predisposing syndrome. Last evaluated: 2025-01-09. Review status: criteria provided, single submitter. Criteria: Ambry Variant Classification Scheme 2023. Collection method: clinical testing. Allele origin: germline.
Comment: The p.I1051M variant (also known as c.3153T>G), located in coding exon 11 of the PALB2 gene, results from a T to G substitution at nucleotide position 3153. The isoleucine at codon 1051 is replaced by methionine, an amino acid with highly similar properties. This amino acid position is conserved. In addition, this alteration is predicted to be tolerated by in silico analysis. Since supporting evidence is limited at this time, the clinical significance of this alteration remains unclear.